The following is an entry in ClinVar:

ClinVar aggregate classification (germline): Conflicting classifications of pathogenicity. Review status: criteria provided, conflicting classifications (1 of 4 stars). 4 submissions from 3 submitters: Uncertain significance (1); Likely benign (3). Last evaluated 2025-08-20.

Conditions:
Freeman-Sheldon syndrome (DA2A). Also called: WHISTLING FACE-WINDMILL VANE HAND SYNDROME; Arthrogryposis, distal, type 2A (Freeman-Sheldon); CRANIOCARPOTARSAL DYSPLASIA; CRANIOCARPOTARSAL DYSTROPHY. Identifiers: Orphanet 2053, MedGen C0265224, MONDO:0008675, OMIM 193700.
Distal arthrogryposis type 2B1 (DA2B1). Also called: Arthrogryposis multiplex congenita distal type II with craniofacial abnormalities. Identifiers: Orphanet 1147, MedGen C5193014, MONDO:0020820, OMIM 601680.

Allele frequency attached by ClinVar (database versions not stated): TOPMed 0.00004.
gnomAD v4.1: 124 of 1,613,930 alleles (0.0077%); highest among the groups gnomAD compares: Non-Finnish European, 0.0099%; no homozygotes.

Submissions (4):

Labcorp Genetics (formerly Invitae), Labcorp
Classification: Likely benign. Last evaluated: 2025-08-20. Review status: criteria provided, single submitter. Criteria: Invitae Variant Classification Sherloc (09022015). Collection method: clinical testing. Allele origin: germline.

Blueprint Genetics
Classification: Likely benign. Last evaluated: 2024-03-02. Review status: criteria provided, single submitter. Criteria: ACMG Guidelines, 2015. Collection method: clinical testing. Allele origin: germline.

Illumina Laboratory Services, Illumina
Classification: Likely benign for Freeman-Sheldon syndrome. Last evaluated: 2018-01-12. Review status: criteria provided, single submitter. Criteria: ICSL Variant Classification Criteria 13 December 2019. Collection method: clinical testing. Allele origin: germline.
Comment: This variant was observed in the ICSL laboratory as part of a predisposition screen in an ostensibly healthy population. It had not been previously curated by ICSL or reported in the Human Gene Mutation Database (HGMD: prior to June 1st, 2018), and was therefore a candidate for classification through an automated scoring system. Utilizing variant allele frequency, disease prevalence and penetrance estimates, and inheritance mode, an automated score was calculated to assess if this variant is too frequent to cause the disease. Based on the score and internal cut-off values, a variant classified as likely benign is not then subjected to further curation. The score for this variant resulted in a classification of likely benign for this disease.

Illumina Laboratory Services, Illumina
Classification: Uncertain significance for Distal arthrogryposis type 2B1. Last evaluated: 2018-01-12. Review status: criteria provided, single submitter. Criteria: ICSL Variant Classification Criteria 13 December 2019. Collection method: clinical testing. Allele origin: germline.

NM_002470.4(MYH3):c.5052C>G (p.Ala1684=)

Gene: MYH3 (myosin heavy chain 3; minus strand). Cytogenetic location: 17p13.1.
Variant type: single nucleotide variant.
Coding change: c.5052C>G on transcript NM_002470.4 (MANE Select); coding-DNA position 5052, C replaced by G.
Protein change: p.Ala1684=; no amino-acid change (alanine 1684 retained).
Molecular consequence: synonymous variant.
Genome position (GRCh38, 1-based): chr17:10,631,921, G>C on the plus strand (C>G on the coding strand, the complement: MYH3 is on the minus strand). VCF-style: chr17-10631921-G-C. GRCh37 (hg19) VCF-style: chr17-10535238-G-C.
Identifiers: ClinVar variation 885006 (VCV000885006.9), dbSNP rs149260479, ClinGen allele CA8392061.
Genomic context (GRCh38, chr17:10,631,921, plus strand): 5'-TTCCGCCAGTTTCCGGGCCCTCTCCGTCTGCTCCAGAGTAGCCCGCAGCTCCTCCACCTC[G>C]GCCTGCAGCAGGTTGGCTCTGCGCTCCACAATCGCCAGCTGCTCCTTCAGGTCCTCCTGG-3'
Protein context (NP_002461.2, residues 1674-1694): IVERRANLLQ[Ala1684=]EVEELRATLE